The following is an entry in ClinVar:

ClinVar aggregate classification (germline): Uncertain significance. Review status: criteria provided, multiple submitters, no conflicts (2 of 4 stars). 2 submissions from 2 submitters: Uncertain significance (2). Last evaluated 2024-11-20.

Conditions:
Inborn genetic diseases. Identifiers: MedGen C0950123, MeSH D030342.

Allele frequency attached by ClinVar (database versions not stated): 1000 Genomes Project 0.00040; gnomAD 0.00040; gnomAD exomes 0.00010; ESP Exome Variant Server 0.00015; ExAC 0.00022; TOPMed 0.00045; 1000 Genomes Project 30x 0.00047.
gnomAD v4.1: 213 of 1,613,814 alleles (0.013%); highest among the groups gnomAD compares: African/African-American, 0.13%; no homozygotes.

Submissions (2):

Ambry Genetics
Classification: Uncertain significance for Inborn genetic diseases. Last evaluated: 2024-11-20. Review status: criteria provided, single submitter. Criteria: Ambry Variant Classification Scheme 2023. Collection method: clinical testing. Allele origin: germline.

GeneDx
Classification: Uncertain significance. Last evaluated: 2022-05-10. Review status: criteria provided, single submitter. Criteria: GeneDx Variant Classification Process June 2021. Collection method: clinical testing. Allele origin: germline. Affected: yes.
Comment: In silico analysis supports that this missense variant does not alter protein structure/function; Has not been previously published as pathogenic or benign to our knowledge

NM_001388308.1(KIF12):c.998G>A (p.Arg333His)

Gene: KIF12 (kinesin family member 12; minus strand). Cytogenetic location: 9q32.
Variant type: single nucleotide variant.
Coding change: c.998G>A on transcript NM_001388308.1 (MANE Select); coding-DNA position 998, G replaced by A.
Protein change: p.Arg333His; replaces arginine 333 with histidine.
Molecular consequence: missense variant.
Genome position (GRCh38, 1-based): chr9:114,095,230, C>T on the plus strand (G>A on the coding strand, the complement: KIF12 is on the minus strand). VCF-style: chr9-114095230-C-T. GRCh37 (hg19) VCF-style: chr9-116857510-C-T.
Other names: c.584G>A, p.Arg195His (NM_138424.2); short protein forms R195H, R333H.
Identifiers: ClinVar variation 1723733 (VCV001723733.3), dbSNP rs147618581, ClinGen allele CA5200689.